The following is an entry in ClinVar:

NM_002272.4(KRT4):c.1080G>A (p.Arg360=)

Gene: KRT4 (keratin 4; minus strand). Cytogenetic location: 12q13.13.
Variant type: single nucleotide variant.
Coding change: c.1080G>A on transcript NM_002272.4 (MANE Select); coding-DNA position 1080, G replaced by A.
Protein change: p.Arg360=; no amino-acid change (arginine 360 retained).
Molecular consequence: synonymous variant.
Genome position (GRCh38, 1-based): chr12:52,808,339, C>T on the plus strand (G>A on the coding strand, the complement: KRT4 is on the minus strand). VCF-style: chr12-52808339-C-T. GRCh37 (hg19) VCF-style: chr12-53202123-C-T.
Identifiers: ClinVar variation 309676 (VCV000309676.9), dbSNP rs113928381, ClinGen allele CA6588510.

ClinVar aggregate classification (germline): Benign/Likely benign. Review status: criteria provided, multiple submitters, no conflicts (2 of 4 stars). 4 submissions from 4 submitters: Benign (2); Likely benign (1). 1 of the submissions does not count toward it. Last evaluated 2024-10-23.

Conditions:
KRT4-related disorder. Also called: KRT4-related condition.
White sponge nevus 1. Also called: LEUKOKERATOSIS, HEREDITARY MUCOSAL. Identifiers: MedGen C4011926, MONDO:0008676, OMIM 193900.

Allele frequency attached by ClinVar (database versions not stated): 1000 Genomes Project 0.00060; 1000 Genomes Project 30x 0.00062; ESP Exome Variant Server 0.00131; gnomAD 0.00131 and 0.00135; TOPMed 0.00134; gnomAD exomes 0.00142 and 0.00191; ExAC 0.00165.
gnomAD v4.1: 2,343 of 1,614,144 alleles (0.15%); highest among the groups gnomAD compares: Middle Eastern, 0.46%; 6 homozygotes.

Submissions (4):

Blueprint Genetics
Classification: Likely benign. Last evaluated: 2024-10-23. Review status: criteria provided, single submitter. Criteria: ACMG Guidelines, 2015. Collection method: clinical testing. Allele origin: germline.

Illumina Laboratory Services, Illumina
Classification: Benign for White sponge nevus 1. Last evaluated: 2018-01-12. Review status: criteria provided, single submitter. Criteria: ICSL Variant Classification Criteria 13 December 2019. Collection method: clinical testing. Allele origin: germline.
Comment: This variant was observed in the ICSL laboratory as part of a predisposition screen in an ostensibly healthy population. It had not been previously curated by ICSL or reported in the Human Gene Mutation Database (HGMD: prior to June 1st, 2018), and was therefore a candidate for classification through an automated scoring system. Utilizing variant allele frequency, disease prevalence and penetrance estimates, and inheritance mode, an automated score was calculated to assess if this variant is too frequent to cause the disease. Based on the score and internal cut-off values, a variant classified as benign is not then subjected to further curation. The score for this variant resulted in a classification of benign for this disease.

Breakthrough Genomics
Classification: Benign. Review status: criteria provided, single submitter. Criteria: ACMG Guidelines, 2015. Collection method: not provided. Allele origin: germline. Inheritance: Autosomal dominant inheritance. Affected: yes.

PreventionGenetics, part of Exact Sciences
Classification: Benign for KRT4-related condition. Last evaluated: 2019-05-10. Review status: no assertion criteria provided. Collection method: clinical testing. Allele origin: germline. Not counted in ClinVar's aggregate classification.
Comment: This variant is classified as benign based on ACMG/AMP sequence variant interpretation guidelines (Richards et al. 2015 PMID: 25741868, with internal and published modifications).